The following is an entry in ClinVar:

NM_014208.3(DSPP):c.85G>A (p.Glu29Lys)

Genes: DMP1-AS1 (DMP1 and DSPP antisense RNA 1; minus strand), DSPP (dentin sialophosphoprotein; plus strand). Cytogenetic location: 4q22.1.
Variant type: single nucleotide variant.
Coding change: c.85G>A on transcript NM_014208.3 (MANE Select); coding-DNA position 85, G replaced by A.
Protein change: p.Glu29Lys; replaces glutamic acid 29 with lysine.
Molecular consequence: missense variant.
Genome position (GRCh38, 1-based): chr4:87,612,138, G>A. VCF-style: chr4-87612138-G-A. GRCh37 (hg19) VCF-style: chr4-88533290-G-A.
Other names: short protein forms E29K.
Identifiers: ClinVar variation 1612746 (VCV001612746.15), dbSNP rs200641947, ClinGen allele CA3000821.

ClinVar aggregate classification (germline): Conflicting classifications of pathogenicity. Review status: criteria provided, conflicting classifications (1 of 4 stars). 4 submissions from 4 submitters: Uncertain significance (1); Likely benign (2). 1 of the submissions does not count toward it. Last evaluated 2025-09-28.

Conditions:
DSPP-related disorder. Also called: DSPP-related condition.

Allele frequency attached by ClinVar (database versions not stated): gnomAD exomes 0.00012; ExAC 0.00016; ESP Exome Variant Server 0.00025; gnomAD 0.00034; 1000 Genomes Project 0.00040; TOPMed 0.00044; 1000 Genomes Project 30x 0.00047.
gnomAD v4.1: 154 of 1,613,800 alleles (0.0095%); highest among the groups gnomAD compares: African/African-American, 0.13%; 1 homozygote.

Submissions (4):

Labcorp Genetics (formerly Invitae), Labcorp
Classification: Likely benign. Last evaluated: 2025-09-28. Review status: criteria provided, single submitter. Criteria: Invitae Variant Classification Sherloc (09022015). Collection method: clinical testing. Allele origin: germline.

GeneDx
Classification: Uncertain significance. Last evaluated: 2025-08-11. Review status: criteria provided, single submitter. Criteria: GeneDx Variant Classification Process June 2021. Collection method: clinical testing. Allele origin: germline. Affected: yes.
Comment: In silico analysis suggests that this missense variant does not alter protein structure/function; Has not been previously published as pathogenic or benign to our knowledge

Blueprint Genetics
Classification: Likely benign. Last evaluated: 2024-07-15. Review status: criteria provided, single submitter. Criteria: ACMG Guidelines, 2015. Collection method: clinical testing. Allele origin: germline.

PreventionGenetics, part of Exact Sciences
Classification: Likely benign for DSPP-related condition. Last evaluated: 2021-06-29. Review status: no assertion criteria provided. Collection method: clinical testing. Allele origin: germline. Not counted in ClinVar's aggregate classification.
Comment: This variant is classified as likely benign based on ACMG/AMP sequence variant interpretation guidelines (Richards et al. 2015 PMID: 25741868, with internal and published modifications).